The following is an entry in ClinVar:

NM_005562.3(LAMC2):c.1039C>T (p.Arg347Cys)

Gene: LAMC2 (laminin subunit gamma 2; plus strand). Cytogenetic location: 1q25.3.
Variant type: single nucleotide variant.
Coding change: c.1039C>T on transcript NM_005562.3 (MANE Select); coding-DNA position 1039, C replaced by T.
Protein change: p.Arg347Cys; replaces arginine 347 with cysteine.
Molecular consequence: missense variant.
Genome position (GRCh38, 1-based): chr1:183,225,693, C>T. VCF-style: chr1-183225693-C-T. GRCh37 (hg19) VCF-style: chr1-183194828-C-T.
Other names: c.1039C>T, p.Arg347Cys (NM_018891.3); c.1039C>T (NM_005562.2); short protein forms R347C.
Identifiers: ClinVar variation 1582357 (VCV001582357.12), dbSNP rs188149266, ClinGen allele CA1282508.

ClinVar aggregate classification (germline): Conflicting classifications of pathogenicity. Review status: criteria provided, conflicting classifications (1 of 4 stars). 3 submissions from 3 submitters: Uncertain significance (1); Likely benign (2). Last evaluated 2026-01-28.

Conditions:
LAMC2-related disorder. Also called: LAMC2-related condition.

Allele frequency attached by ClinVar (database versions not stated): gnomAD exomes 0.00006 and 0.00022; gnomAD 0.00009 and 0.00011; TOPMed 0.00016; ExAC 0.00019; 1000 Genomes Project 0.00020; 1000 Genomes Project 30x 0.00031.
gnomAD v4.1: 110 of 1,612,406 alleles (0.0068%); highest among the groups gnomAD compares: East Asian, 0.18%; no homozygotes.

Submissions (3):

Labcorp Genetics (formerly Invitae), Labcorp
Classification: Likely benign. Last evaluated: 2026-01-28. Review status: criteria provided, single submitter. Criteria: Invitae Variant Classification Sherloc (09022015). Collection method: clinical testing. Allele origin: germline.

PreventionGenetics, part of Exact Sciences
Classification: Likely benign for LAMC2-related condition. Last evaluated: 2025-10-23. Review status: criteria provided, single submitter. Criteria: ACMG Guidelines, 2015. Collection method: clinical testing. Allele origin: germline.
Comment: This variant is classified as likely benign based on ACMG/AMP sequence variant interpretation guidelines (Richards et al. 2015 PMID: 25741868, with internal and published modifications).

Revvity Omics, Revvity
Classification: Uncertain significance. Last evaluated: 2021-04-23. Review status: criteria provided, single submitter. Criteria: ACMG Guidelines, 2015. Collection method: clinical testing. Allele origin: germline.